The following is an entry in ClinVar:

NM_001130823.3(DNMT1):c.299A>G (p.Asn100Ser)

Gene: DNMT1 (DNA methyltransferase 1; minus strand). Cytogenetic location: 19p13.2.
Variant type: single nucleotide variant.
Coding change: c.299A>G on transcript NM_001130823.3 (MANE Select); coding-DNA position 299, A replaced by G.
Protein change: p.Asn100Ser; replaces asparagine 100 with serine.
Molecular consequence: missense variant. On other transcripts: 5 prime UTR variant (1).
Genome position (GRCh38, 1-based): chr19:10,180,496, T>C on the plus strand (A>G on the coding strand, the complement: DNMT1 is on the minus strand). VCF-style: chr19-10180496-T-C. GRCh37 (hg19) VCF-style: chr19-10291172-T-C.
Other names: c.299A>G (LRG_362t1); c.299A>G, p.Asn100Ser (NM_001318730.2, NM_001379.4); c.-65A>G (NM_001318731.2); short protein forms N100S.
Identifiers: ClinVar variation 539597 (VCV000539597.8), dbSNP rs1375073063, ClinGen allele CA403946565.
Genomic context (GRCh38, chr19:10,180,496, plus strand): 5'-ACTCTACGGGCTTCACTTCTTGCTTGGTTCCCGTTTTCTAGACGTCCATTCACTTCCCGG[T>C]TGTAAGCATGAGCACCGTTCTCCAAGGACAAATCTTTATTTAAAAGGGATTTGACTTTAG-3'
Protein context (NP_001124295.1, residues 90-110): LSLENGAHAY[Asn100Ser]REVNGRLENG

ClinVar aggregate classification (germline): Uncertain significance (1 of 4 stars; one submission).

Conditions:
Hereditary sensory neuropathy-deafness-dementia syndrome. Also called: Hereditary sensory neuropathy type IE; NEUROPATHY, HEREDITARY SENSORY, WITH HEARING LOSS AND DEMENTIA; Hereditary Sensory and Autonomic Neuropathy Type 1E (HSAN1E); HSN IE. Identifiers: Orphanet 456318, MedGen C3279885, MONDO:0013584, OMIM 614116.

Allele frequency attached by ClinVar (database versions not stated): gnomAD exomes below 0.00001.
gnomAD v4.1: 2 of 1,614,136 alleles (0.00012%); highest among the groups gnomAD compares: South Asian, 0.0011%; no homozygotes.

Submission:

Labcorp Genetics (formerly Invitae), Labcorp
Classification: Uncertain significance for Hereditary sensory neuropathy-deafness-dementia syndrome. Last evaluated: 2024-08-04. Review status: criteria provided, single submitter. Criteria: Invitae Variant Classification Sherloc (09022015). Collection method: clinical testing. Allele origin: germline.
Comment: This sequence change replaces asparagine, which is neutral and polar, with serine, which is neutral and polar, at codon 100 of the DNMT1 protein (p.Asn100Ser). This variant is present in population databases (no rsID available, gnomAD 0.003%). This variant has not been reported in the literature in individuals affected with DNMT1-related conditions. ClinVar contains an entry for this variant (Variation ID: 539597). An algorithm developed to predict the effect of missense changes on protein structure and function outputs the following: PolyPhen-2: "Benign". The serine amino acid residue is found in multiple mammalian species, which suggests that this missense change does not adversely affect protein function. In summary, the available evidence is currently insufficient to determine the role of this variant in disease. Therefore, it has been classified as a Variant of Uncertain Significance.